The following is an entry in ClinVar:

NM_000518.5(HBB):c.85C>G (p.Leu29Val)

Genes: HBB (hemoglobin subunit beta; minus strand), LOC106099062 (HBB recombination region; plus strand), LOC107133510 (origin of replication at HBB; plus strand). Cytogenetic location: 11p15.4.
Variant type: single nucleotide variant.
Coding change: c.85C>G on transcript NM_000518.5 (MANE Select); coding-DNA position 85, C replaced by G.
Protein change: p.Leu29Val; replaces leucine 29 with valine.
Molecular consequence: missense variant.
Genome position (GRCh38, 1-based): chr11:5,226,937, G>C on the plus strand (C>G on the coding strand, the complement: HBB is on the minus strand). VCF-style: chr11-5226937-G-C. GRCh37 (hg19) VCF-style: chr11-5248167-G-C.
Other names: short protein forms L29V.
Identifiers: ClinVar variation 3339275 (VCV003339275.1).

ClinVar aggregate classification (germline): Uncertain significance (1 of 4 stars; one submission).

Submission:

Women's Health and Genetics/Laboratory Corporation of America, LabCorp
Classification: Uncertain significance. Last evaluated: 2024-07-29. Review status: criteria provided, single submitter. Criteria: LabCorp Variant Classification Summary - May 2015. Collection method: clinical testing. Allele origin: germline.
Comment: Variant summary: HBB c.85C>G (p.Leu29Val) results in a conservative amino acid change located in the Globin domain (IPR000971) of the encoded protein sequence. Four of five in-silico tools predict a damaging effect of the variant on protein function. The variant was absent in 251340 control chromosomes. The available data on variant occurrences in the general population are insufficient to allow any conclusion about variant significance. To our knowledge, no occurrence of c.85C>G in individuals affected with Beta Thalassemia and no experimental evidence demonstrating its impact on protein function have been reported. No submitters have cited clinical-significance assessments for this variant to ClinVar. Based on the evidence outlined above, the variant was classified as uncertain significance.